The following is an entry in ClinVar:

NM_005431.2(XRCC2):c.421C>G (p.Pro141Ala)

Gene: XRCC2 (X-ray repair cross complementing 2; minus strand). Cytogenetic location: 7q36.1.
Variant type: single nucleotide variant.
Coding change: c.421C>G on transcript NM_005431.2 (MANE Select); coding-DNA position 421, C replaced by G.
Protein change: p.Pro141Ala; replaces proline 141 with alanine.
Molecular consequence: missense variant.
Genome position (GRCh38, 1-based): chr7:152,649,064, G>C on the plus strand (C>G on the coding strand, the complement: XRCC2 is on the minus strand). VCF-style: chr7-152649064-G-C. GRCh37 (hg19) VCF-style: chr7-152346149-G-C.
Other names: short protein forms P141A.
Identifiers: ClinVar variation 3471473 (VCV003471473.1).
Genomic context (GRCh38, chr7:152,649,064, plus strand): 5'-TGACGCGGTCTATCCAGTAAAAAGCTGACAGGCTATCCAAAATCAAAAGGCAGAGAGATG[G>C]GTGACTACAAAACATACTTTCTAGTGAGTAAAGTGTAAGAAGTAAGTGGGTGCTACTACT-3'
Protein context (NP_005422.1, residues 131-151): YSLESMFCSH[Pro141Ala]SLCLLILDSL

ClinVar aggregate classification (germline): Uncertain significance (1 of 4 stars; one submission).

Conditions:
Hereditary cancer-predisposing syndrome. Also called: Tumor predisposition; Neoplastic Syndromes, Hereditary; Hereditary neoplastic syndrome; Hereditary Cancer Syndrome. Identifiers: Orphanet 140162, MedGen C0027672, MeSH D009386, MONDO:0015356.

gnomAD v4.1: 1 of 1,614,132 alleles (0.000062%); highest among the groups gnomAD compares: African/African-American, 0.0013%; no homozygotes.

Submission:

Ambry Genetics
Classification: Uncertain significance for Hereditary cancer-predisposing syndrome. Last evaluated: 2024-10-18. Review status: criteria provided, single submitter. Criteria: Ambry Variant Classification Scheme 2023. Collection method: clinical testing. Allele origin: germline.
Comment: The p.P141A variant (also known as c.421C>G), located in coding exon 3 of the XRCC2 gene, results from a C to G substitution at nucleotide position 421. The proline at codon 141 is replaced by alanine, an amino acid with highly similar properties. This amino acid position is conserved. In addition, this alteration is predicted to be tolerated by in silico analysis. Based on the available evidence, the clinical significance of this variant remains unclear.